The following is an entry in ClinVar:

ClinVar aggregate classification (germline): Uncertain significance (1 of 4 stars; one submission).

Allele frequency attached by ClinVar (database versions not stated): gnomAD 0.00001; TOPMed 0.00001; gnomAD exomes 0.00002.
gnomAD v4.1: 36 of 1,613,992 alleles (0.0022%); highest among the groups gnomAD compares: Non-Finnish European, 0.0027%; no homozygotes.

Submission:

Labcorp Genetics (formerly Invitae), Labcorp
Classification: Uncertain significance. Last evaluated: 2025-09-02. Review status: criteria provided, single submitter. Criteria: Invitae Variant Classification Sherloc (09022015). Collection method: clinical testing. Allele origin: germline.
Comment: This sequence change replaces proline, which is neutral and non-polar, with leucine, which is neutral and non-polar, at codon 23 of the PRPF4 protein (p.Pro23Leu). This variant is present in population databases (no rsID available, gnomAD 0.003%). This variant has not been reported in the literature in individuals affected with PRPF4-related conditions. ClinVar contains an entry for this variant (Variation ID: 2192734). An algorithm developed to predict the effect of missense changes on protein structure and function (PolyPhen-2) suggests that this variant is likely to be tolerated. In summary, the available evidence is currently insufficient to determine the role of this variant in disease. Therefore, it has been classified as a Variant of Uncertain Significance.

NM_001244926.2(PRPF4):c.65C>T (p.Pro22Leu)

Gene: PRPF4 (pre-mRNA splicing tri-snRNP complex factor PRPF4; plus strand). Cytogenetic location: 9q32.
Variant type: single nucleotide variant.
Coding change: c.65C>T on transcript NM_001244926.2 (MANE Select); coding-DNA position 65, C replaced by T.
Protein change: p.Pro22Leu; replaces proline 22 with leucine.
Molecular consequence: missense variant. On other transcripts: 5 prime UTR variant (2), non-coding transcript variant (2).
Genome position (GRCh38, 1-based): chr9:113,276,585, C>T. VCF-style: chr9-113276585-C-T. GRCh37 (hg19) VCF-style: chr9-116038865-C-T.
Other names: c.-701C>T (NM_001322266.2, NM_001322267.2); c.68C>T, p.Pro23Leu (NM_004697.5); short protein forms P22L, P23L.
Identifiers: ClinVar variation 2192734 (VCV002192734.4), dbSNP rs1284495917, ClinGen allele CA374551237.
Genomic context (GRCh38, chr9:113,276,585, plus strand): 5'-AATGCAGATCTTTGATTTAGCAGGCAACCAAAACTAAAGCACCCGACGACTTAGTTGCTC[C>T]GGTCGTGAAGAAACCACACATCTATTATGGAAGTTTGGAAGAGAAGGAGAGGGAGCGTCT-3'
Protein context (NP_001231855.1, residues 12-32): KTKAPDDLVA[Pro22Leu]VVKKPHIYYG